The following is an entry in ClinVar:

ClinVar aggregate classification (germline): Benign/Likely benign. Review status: criteria provided, multiple submitters, no conflicts (2 of 4 stars). 3 submissions from 3 submitters: Benign (2); Likely benign (1). Last evaluated 2025-08-18.

Conditions:
Melanoma, cutaneous malignant, susceptibility to, 5. Also called: Cutaneous malignant melanoma 5. Identifiers: Orphanet 618, MedGen C2751295, MONDO:0013133, OMIM 613099.

Allele frequency attached by ClinVar (database versions not stated): 1000 Genomes Project 0.00060; ESP Exome Variant Server 0.00069; 1000 Genomes Project 30x 0.00078.

Submissions (3):

Labcorp Genetics (formerly Invitae), Labcorp
Classification: Benign for Melanoma, cutaneous malignant, susceptibility to, 5. Last evaluated: 2025-08-18. Review status: criteria provided, single submitter. Criteria: Invitae Variant Classification Sherloc (09022015). Collection method: clinical testing. Allele origin: germline.

Ambry Genetics
Classification: Likely benign. Last evaluated: 2024-10-04. Review status: criteria provided, single submitter. Criteria: Ambry Variant Classification Scheme 2023. Collection method: clinical testing. Allele origin: germline.

GeneDx
Classification: Benign. Last evaluated: 2020-09-10. Review status: criteria provided, single submitter. Criteria: GeneDx Variant Classification Process June 2021. Collection method: clinical testing. Allele origin: germline. Affected: yes.
Comment: This variant is associated with the following publications: (PMID: 23647022, 25631192, 24982914, 18402696)

NM_002386.4(MC1R):c.504C>T (p.Ile168=)

Gene: MC1R (melanocortin 1 receptor; plus strand). Cytogenetic location: 16q24.3.
Variant type: single nucleotide variant.
Coding change: c.504C>T on transcript NM_002386.4 (MANE Select); coding-DNA position 504, C replaced by T.
Protein change: p.Ile168=; no amino-acid change (isoleucine 168 retained).
Molecular consequence: synonymous variant.
Genome position (GRCh38, 1-based): chr16:89,919,762, C>T. VCF-style: chr16-89919762-C-T. GRCh37 (hg19) VCF-style: chr16-89986170-C-T.
Identifiers: ClinVar variation 1249060 (VCV001249060.11), dbSNP rs34612847, ClinGen allele CA8255631.